The following is an entry in ClinVar:

NM_001039396.2(MPEG1):c.775C>G (p.Gln259Glu)

Gene: MPEG1 (macrophage expressed 1; minus strand). Cytogenetic location: 11q12.1.
Variant type: single nucleotide variant.
Coding change: c.775C>G on transcript NM_001039396.2 (MANE Select); coding-DNA position 775, C replaced by G.
Protein change: p.Gln259Glu; replaces glutamine 259 with glutamic acid.
Molecular consequence: missense variant.
Genome position (GRCh38, 1-based): chr11:59,212,091, G>C on the plus strand (C>G on the coding strand, the complement: MPEG1 is on the minus strand). VCF-style: chr11-59212091-G-C. GRCh37 (hg19) VCF-style: chr11-58979564-G-C.
Other names: short protein forms Q259E.
Identifiers: ClinVar variation 2630896 (VCV002630896.3), dbSNP rs961938278, ClinGen allele CA223176678.

ClinVar aggregate classification (germline): Uncertain significance. Review status: criteria provided, multiple submitters, no conflicts (2 of 4 stars). 2 submissions from 2 submitters: Uncertain significance (2). Last evaluated 2026-06-04.

Conditions:
MPEG1-related disorder. Also called: MPEG1-related condition.

Allele frequency attached by ClinVar (database versions not stated): gnomAD 0.00001; TOPMed 0.00001.

Submissions (2):

PreventionGenetics, part of Exact Sciences
Classification: Uncertain significance for MPEG1-related condition. Last evaluated: 2026-06-04. Review status: criteria provided, single submitter. Criteria: ACMG Guidelines, 2015. Collection method: clinical testing. Allele origin: germline.
Comment: The MPEG1 c.775C>G variant is predicted to result in the amino acid substitution p.Gln259Glu. To our knowledge, this variant has not been reported in the literature. This variant is reported in 0.0065% of alleles in individuals of European (Non-Finnish) descent in gnomAD. At this time, the clinical significance of this variant is uncertain due to the absence of conclusive functional and genetic evidence.

Ambry Genetics
Classification: Uncertain significance. Last evaluated: 2025-09-28. Review status: criteria provided, single submitter. Criteria: Ambry Variant Classification Scheme 2023. Collection method: clinical testing. Allele origin: germline.